The following is an entry in ClinVar:

NM_001267550.2(TTN):c.101355T>A (p.Asp33785Glu)

Genes: TTN (titin; minus strand), TTN-AS1 (TTN antisense RNA 1; plus strand). Cytogenetic location: 2q31.2.
Variant type: single nucleotide variant.
Coding change: c.101355T>A on transcript NM_001267550.2 (MANE Select); coding-DNA position 101355, T replaced by A.
Protein change: p.Asp33785Glu; replaces aspartic acid 33785 with glutamic acid.
Molecular consequence: missense variant.
Genome position (GRCh38, 1-based): chr2:178,535,260, A>T on the plus strand (T>A on the coding strand, the complement: TTN is on the minus strand). VCF-style: chr2-178535260-A-T. GRCh37 (hg19) VCF-style: chr2-179399987-A-T.
Other names: c.96432T>A, p.Asp32144Glu (NM_001256850.1); c.74160T>A, p.Asp24720Glu (NM_003319.4); c.93651T>A, p.Asp31217Glu (NM_133378.4); c.74535T>A, p.Asp24845Glu (NM_133432.3); c.74736T>A, p.Asp24912Glu (NM_133437.4); short protein forms D24720E, D33785E, D31217E, D32144E, D24845E, D24912E.
Identifiers: ClinVar variation 2947907 (VCV002947907.3), dbSNP rs2468568885, ClinGen allele CA349420900.

ClinVar aggregate classification (germline): Uncertain significance (1 of 4 stars; one submission).

Conditions:
Dilated cardiomyopathy 1G (CMD1G). Identifiers: Orphanet 154, MedGen C1858763, MONDO:0011400, OMIM 604145.
Autosomal recessive limb-girdle muscular dystrophy type 2J (LGMDR10). Also called: Limb-girdle muscular dystrophy, type 2J; MUSCULAR DYSTROPHY, LIMB-GIRDLE, AUTOSOMAL RECESSIVE 10. Identifiers: Orphanet 140922, MedGen C1837342, MONDO:0012127, OMIM 608807.

Submission:

Labcorp Genetics (formerly Invitae), Labcorp
Classification: Uncertain significance for Dilated cardiomyopathy 1G; Autosomal recessive limb-girdle muscular dystrophy type 2J. Last evaluated: 2024-01-12. Review status: criteria provided, single submitter. Criteria: Invitae Variant Classification Sherloc (09022015). Collection method: clinical testing. Allele origin: germline.
Comment: This sequence change replaces aspartic acid, which is acidic and polar, with glutamic acid, which is acidic and polar, at codon 33785 of the TTN protein (p.Asp33785Glu). This variant is not present in population databases (gnomAD no frequency). This variant has not been reported in the literature in individuals affected with TTN-related conditions. Experimental studies and prediction algorithms are not available or were not evaluated, and the functional significance of this variant is currently unknown. This variant is located in the M band of TTN (PMID: 25589632). Non-truncating variants in this region may be relevant for neuromuscular disorders, but have not been definitively shown to cause cardiomyopathy (PMID: 23975875). In summary, the available evidence is currently insufficient to determine the role of this variant in disease. Therefore, it has been classified as a Variant of Uncertain Significance.

Literature cited by the submitters: PubMed 25589632; PubMed 23975875.